The following is an entry in ClinVar:

NM_004336.5(BUB1):c.749C>T (p.Ser250Phe)

Gene: BUB1 (BUB1 mitotic checkpoint serine/threonine kinase; minus strand). Cytogenetic location: 2q13.
Variant type: single nucleotide variant.
Coding change: c.749C>T on transcript NM_004336.5 (MANE Select); coding-DNA position 749, C replaced by T.
Protein change: p.Ser250Phe; replaces serine 250 with phenylalanine.
Molecular consequence: missense variant.
Genome position (GRCh38, 1-based): chr2:110,667,577, G>A on the plus strand (C>T on the coding strand, the complement: BUB1 is on the minus strand). VCF-style: chr2-110667577-G-A. GRCh37 (hg19) VCF-style: chr2-111425154-G-A.
Other names: c.749C>T, p.Ser250Phe (NM_001278617.2); c.689C>T, p.Ser230Phe (NM_001278616.2); short protein forms S230F, S250F.
Identifiers: ClinVar variation 2446969 (VCV002446969.2), dbSNP rs2468028110, ClinGen allele CA348217589.

ClinVar aggregate classification (germline): Uncertain significance (1 of 4 stars; one submission).

Submission:

Ambry Genetics
Classification: Uncertain significance. Last evaluated: 2022-12-21. Review status: criteria provided, single submitter. Criteria: Ambry Variant Classification Scheme 2023. Collection method: clinical testing. Allele origin: germline.
Comment: The p.S250F variant (also known as c.749C>T), located in coding exon 8 of the BUB1 gene, results from a C to T substitution at nucleotide position 749. The serine at codon 250 is replaced by phenylalanine, an amino acid with highly dissimilar properties. This amino acid position is conserved. In addition, the in silico prediction for this alteration is inconclusive. Since supporting evidence is limited at this time, the clinical significance of this alteration remains unclear.